The following is an entry in ClinVar:

NM_018109.4(MTPAP):c.766C>T (p.Leu256Phe)

Gene: MTPAP (mitochondrial poly(A) polymerase; minus strand). Cytogenetic location: 10p11.23.
Variant type: single nucleotide variant.
Coding change: c.766C>T on transcript NM_018109.4 (MANE Select); coding-DNA position 766, C replaced by T.
Protein change: p.Leu256Phe; replaces leucine 256 with phenylalanine.
Molecular consequence: missense variant.
Genome position (GRCh38, 1-based): chr10:30,336,817, G>A on the plus strand (C>T on the coding strand, the complement: MTPAP is on the minus strand). VCF-style: chr10-30336817-G-A. GRCh37 (hg19) VCF-style: chr10-30625746-G-A.
Other names: short protein forms L256F.
Identifiers: ClinVar variation 2106855 (VCV002106855.4), dbSNP rs370064851, ClinGen allele CA376425317.

ClinVar aggregate classification (germline): Uncertain significance (1 of 4 stars; one submission).

Submission:

Labcorp Genetics (formerly Invitae), Labcorp
Classification: Uncertain significance. Last evaluated: 2022-03-04. Review status: criteria provided, single submitter. Criteria: Invitae Variant Classification Sherloc (09022015). Collection method: clinical testing. Allele origin: germline.
Comment: This variant is not present in population databases (gnomAD no frequency). This sequence change replaces leucine, which is neutral and non-polar, with phenylalanine, which is neutral and non-polar, at codon 256 of the MTPAP protein (p.Leu256Phe). This variant has not been reported in the literature in individuals affected with MTPAP-related conditions. Algorithms developed to predict the effect of missense changes on protein structure and function output the following: SIFT: "Tolerated"; PolyPhen-2: "Benign"; Align-GVGD: "Class C0". The phenylalanine amino acid residue is found in multiple mammalian species, which suggests that this missense change does not adversely affect protein function. In summary, the available evidence is currently insufficient to determine the role of this variant in disease. Therefore, it has been classified as a Variant of Uncertain Significance.